The following is an entry in ClinVar:

NM_032043.3(BRIP1):c.1157A>G (p.Lys386Arg)

Gene: BRIP1 (BRCA1 interacting DNA helicase 1; minus strand). Cytogenetic location: 17q23.2.
Variant type: single nucleotide variant.
Coding change: c.1157A>G on transcript NM_032043.3 (MANE Select); coding-DNA position 1157, A replaced by G.
Protein change: p.Lys386Arg; replaces lysine 386 with arginine.
Molecular consequence: missense variant.
Genome position (GRCh38, 1-based): chr17:61,799,283, T>C on the plus strand (A>G on the coding strand, the complement: BRIP1 is on the minus strand). VCF-style: chr17-61799283-T-C. GRCh37 (hg19) VCF-style: chr17-59876644-T-C.
Other names: short protein forms K386R.
Identifiers: ClinVar variation 3228081 (VCV003228081.2), dbSNP rs2145309827, ClinGen allele CA400483800.

ClinVar aggregate classification (germline): Uncertain significance. Review status: criteria provided, multiple submitters, no conflicts (2 of 4 stars). 2 submissions from 2 submitters: Uncertain significance (2). Last evaluated 2026-02-01.

Conditions:
Hereditary cancer-predisposing syndrome. Also called: Hereditary Cancer Syndrome; Tumor predisposition; Neoplastic Syndromes, Hereditary; Hereditary neoplastic syndrome. Identifiers: Orphanet 140162, MedGen C0027672, MeSH D009386, MONDO:0015356.
Familial cancer of breast. Also called: BREAST CANCER, FAMILIAL; hereditary breast carcinoma; Hereditary breast cancer. Identifiers: Orphanet 227535, MedGen C0346153, MONDO:0016419, OMIM 114480. Disease mechanism: loss of function.
Fanconi anemia complementation group J. Also called: BRIP1-Related Fanconi Anemia. Identifiers: Orphanet 84, MedGen C1836860, MONDO:0012187, OMIM 609054.

Submissions (2):

Labcorp Genetics (formerly Invitae), Labcorp
Classification: Uncertain significance for Familial cancer of breast; Fanconi anemia complementation group J. Last evaluated: 2026-02-01. Review status: criteria provided, single submitter. Criteria: Invitae Variant Classification Sherloc (09022015). Collection method: clinical testing. Allele origin: germline.
Comment: This sequence change replaces lysine, which is basic and polar, with arginine, which is basic and polar, at codon 386 of the BRIP1 protein (p.Lys386Arg). This variant is not present in population databases (gnomAD no frequency). This variant has not been reported in the literature in individuals affected with BRIP1-related conditions. ClinVar contains an entry for this variant (Variation ID: 3228081). Invitae Evidence Modeling of protein sequence and biophysical properties (such as structural, functional, and spatial information, amino acid conservation, physicochemical variation, residue mobility, and thermodynamic stability) indicates that this missense variant is not expected to disrupt BRIP1 protein function with a negative predictive value of 95%. In summary, the available evidence is currently insufficient to determine the role of this variant in disease. Therefore, it has been classified as a Variant of Uncertain Significance.

Ambry Genetics
Classification: Uncertain significance for Hereditary cancer-predisposing syndrome. Last evaluated: 2024-01-20. Review status: criteria provided, single submitter. Criteria: Ambry Variant Classification Scheme 2023. Collection method: clinical testing. Allele origin: germline.
Comment: The p.K386R variant (also known as c.1157A>G), located in coding exon 8 of the BRIP1 gene, results from an A to G substitution at nucleotide position 1157. The lysine at codon 386 is replaced by arginine, an amino acid with highly similar properties. This amino acid position is conserved. In addition, this alteration is predicted to be tolerated by in silico analysis. Based on the available evidence, the clinical significance of this alteration remains unclear.